The following is an entry in ClinVar:

NM_000287.4(PEX6):c.1547C>G (p.Ser516Cys)

Gene: PEX6 (peroxisomal biogenesis factor 6; minus strand). Cytogenetic location: 6p21.1.
Variant type: single nucleotide variant.
Coding change: c.1547C>G on transcript NM_000287.4 (MANE Select); coding-DNA position 1547, C replaced by G.
Protein change: p.Ser516Cys; replaces serine 516 with cysteine.
Molecular consequence: missense variant. On other transcripts: non-coding transcript variant (1).
Genome position (GRCh38, 1-based): chr6:42,968,431, G>C on the plus strand (C>G on the coding strand, the complement: PEX6 is on the minus strand). VCF-style: chr6-42968431-G-C. GRCh37 (hg19) VCF-style: chr6-42936169-G-C.
Other names: p.Ser516Cys; c.1283C>G, p.Ser428Cys (NM_001316313.2); c.1547C>G (NM_000287.3); short protein forms S516C, S428C.
Identifiers: ClinVar variation 2161841 (VCV002161841.4), dbSNP rs996548732, ClinGen allele CA138225596.

ClinVar aggregate classification (germline): Uncertain significance. Review status: criteria provided, multiple submitters, no conflicts (2 of 4 stars). 4 submissions from 4 submitters: Uncertain significance (4). Last evaluated 2025-12-10.

Conditions:
Inborn genetic diseases. Identifiers: MedGen C0950123, MeSH D030342.
Peroxisome biogenesis disorder. Identifiers: Orphanet 79189, MedGen C1832200, MONDO:0019234. Disease mechanism: loss of function.

Allele frequency attached by ClinVar (database versions not stated): TOPMed 0.00002; gnomAD 0.00004.
gnomAD v4.1: 6 of 1,611,112 alleles (0.00037%); highest among the groups gnomAD compares: African/African-American, 0.008%; no homozygotes.

Submissions (4):

Mayo Clinic Laboratories, Mayo Clinic
Classification: Uncertain significance. Last evaluated: 2025-12-10. Review status: criteria provided, single submitter. Criteria: ACMG Guidelines, 2015. Collection method: clinical testing. Allele origin: germline. Observed: 1 variant allele.
Comment: PM2_supporting

Ambry Genetics
Classification: Uncertain significance for Inborn genetic diseases. Last evaluated: 2025-08-31. Review status: criteria provided, single submitter. Criteria: Ambry Variant Classification Scheme 2023. Collection method: clinical testing. Allele origin: germline.

Blueprint Genetics
Classification: Uncertain significance. Last evaluated: 2022-08-17. Review status: criteria provided, single submitter. Criteria: ACMG Guidelines, 2015. Collection method: clinical testing. Allele origin: germline.

Labcorp Genetics (formerly Invitae), Labcorp
Classification: Uncertain significance for Peroxisome biogenesis disorder. Last evaluated: 2022-05-13. Review status: criteria provided, single submitter. Criteria: Invitae Variant Classification Sherloc (09022015). Collection method: clinical testing. Allele origin: germline.
Comment: This sequence change replaces serine, which is neutral and polar, with cysteine, which is neutral and slightly polar, at codon 516 of the PEX6 protein (p.Ser516Cys). This variant is present in population databases (no rsID available, gnomAD 0.02%). This variant has not been reported in the literature in individuals affected with PEX6-related conditions. Algorithms developed to predict the effect of missense changes on protein structure and function are either unavailable or do not agree on the potential impact of this missense change (SIFT: "Deleterious"; PolyPhen-2: "Benign"; Align-GVGD: "Class C0"). In summary, the available evidence is currently insufficient to determine the role of this variant in disease. Therefore, it has been classified as a Variant of Uncertain Significance.